The following is an entry in ClinVar:

NM_006516.4(SLC2A1):c.1202C>T (p.Pro401Leu)

Gene: SLC2A1 (solute carrier family 2 member 1; minus strand). Cytogenetic location: 1p34.2.
Variant type: single nucleotide variant.
Coding change: c.1202C>T on transcript NM_006516.4 (MANE Select); coding-DNA position 1202, C replaced by T.
Protein change: p.Pro401Leu; replaces proline 401 with leucine.
Molecular consequence: missense variant.
Genome position (GRCh38, 1-based): chr1:42,927,681, G>A on the plus strand (C>T on the coding strand, the complement: SLC2A1 is on the minus strand). VCF-style: chr1-42927681-G-A. GRCh37 (hg19) VCF-style: chr1-43393352-G-A.
Other names: short protein forms P401L.
Identifiers: ClinVar variation 986351 (VCV000986351.1), dbSNP rs1643441930, ClinGen allele CA339953832.

ClinVar aggregate classification (germline): Likely pathogenic (1 of 4 stars; one submission).

Conditions:
SLC2A1-related disorder. Also called: SLC2A1-related condition; SLC2A1-related disorders.

Submission:

Rady Children's Institute for Genomic Medicine, Rady Children's Hospital San Diego
Classification: Likely pathogenic for SLC2A1-Related Disorders. Last evaluated: 2019-07-10. Review status: criteria provided, single submitter. Criteria: ACMG Guidelines, 2015. Collection method: clinical testing. Allele origin: germline. Affected: yes.
Comment: This variant has not been previously reported or functionally characterized in the literature to our knowledge. It is absent from the ExAC and gnomAD population databases and thus is presumed to be rare. The c.1202C>T (p.Pro401Leu) variant affects a highly conserved amino acid and is predicted by multiple in silico tools to have a deleterious effect on protein function. Analysis of the parental samples was negative for the variant, indicating this variant likely occurred as a de novo event. Based on the available evidence, the c.1202C>T (p.Pro401Leu) variant is classified as Likely Pathogenic.